The following is an entry in ClinVar:

NM_001197104.2(KMT2A):c.703A>G (p.Ile235Val)

Gene: KMT2A (lysine methyltransferase 2A; plus strand). Cytogenetic location: 11q23.3.
Variant type: single nucleotide variant.
Coding change: c.703A>G on transcript NM_001197104.2 (MANE Select); coding-DNA position 703, A replaced by G.
Protein change: p.Ile235Val; replaces isoleucine 235 with valine.
Molecular consequence: missense variant.
Genome position (GRCh38, 1-based): chr11:118,471,862, A>G. VCF-style: chr11-118471862-A-G. GRCh37 (hg19) VCF-style: chr11-118342577-A-G.
Other names: c.802A>G, p.Ile268Val (NM_001412597.1); c.703A>G, p.Ile235Val (NM_005933.4); short protein forms I235V, I268V.
Identifiers: ClinVar variation 2113350 (VCV002113350.5), dbSNP rs781982867, ClinGen allele CA6303328.

ClinVar aggregate classification (germline): Uncertain significance. Review status: criteria provided, multiple submitters, no conflicts (2 of 4 stars). 2 submissions from 2 submitters: Uncertain significance (2). Last evaluated 2024-07-31.

Allele frequency attached by ClinVar (database versions not stated): gnomAD exomes below 0.00001; ExAC 0.00001; gnomAD 0.00001; TOPMed 0.00001.
gnomAD v4.1: 2 of 1,612,256 alleles (0.00012%); highest among the groups gnomAD compares: East Asian, 0.0022%; no homozygotes.

Submissions (2):

Labcorp Genetics (formerly Invitae), Labcorp
Classification: Uncertain significance. Last evaluated: 2024-07-31. Review status: criteria provided, single submitter. Criteria: Invitae Variant Classification Sherloc (09022015). Collection method: clinical testing. Allele origin: germline.
Comment: This sequence change replaces isoleucine, which is neutral and non-polar, with valine, which is neutral and non-polar, at codon 235 of the KMT2A protein (p.Ile235Val). This variant is present in population databases (rs781982867, gnomAD 0.006%). This variant has not been reported in the literature in individuals affected with KMT2A-related conditions. ClinVar contains an entry for this variant (Variation ID: 2113350). Advanced modeling of protein sequence and biophysical properties (such as structural, functional, and spatial information, amino acid conservation, physicochemical variation, residue mobility, and thermodynamic stability) performed at Invitae indicates that this missense variant is not expected to disrupt KMT2A protein function with a negative predictive value of 95%. In summary, the available evidence is currently insufficient to determine the role of this variant in disease. Therefore, it has been classified as a Variant of Uncertain Significance.

GeneDx
Classification: Uncertain significance. Last evaluated: 2023-03-31. Review status: criteria provided, single submitter. Criteria: GeneDx Variant Classification Process June 2021. Collection method: clinical testing. Allele origin: germline. Affected: yes.
Comment: In silico analysis supports that this missense variant does not alter protein structure/function; Has not been previously published as pathogenic or benign to our knowledge